The following is an entry in ClinVar:

NM_000245.4(MET):c.1190G>A (p.Cys397Tyr)

Gene: MET (MET proto-oncogene, receptor tyrosine kinase; plus strand). Cytogenetic location: 7q31.2.
Variant type: single nucleotide variant.
Coding change: c.1190G>A on transcript NM_000245.4 (MANE Select); coding-DNA position 1190, G replaced by A.
Protein change: p.Cys397Tyr; replaces cysteine 397 with tyrosine.
Molecular consequence: missense variant. On other transcripts: intron variant (1).
Genome position (GRCh38, 1-based): chr7:116,700,274, G>A. VCF-style: chr7-116700274-G-A. GRCh37 (hg19) VCF-style: chr7-116340328-G-A.
Other names: c.1190G>A, p.Cys397Tyr (NM_001127500.3, NM_001324401.3); c.-91+27697G>A (NM_001324402.2); short protein forms C397Y.
Identifiers: ClinVar variation 1810495 (VCV001810495.7), dbSNP rs1018999843, ClinGen allele CA164889664.

ClinVar aggregate classification (germline): Uncertain significance. Review status: criteria provided, multiple submitters, no conflicts (2 of 4 stars). 3 submissions from 3 submitters: Uncertain significance (3). Last evaluated 2025-03-19.

Conditions:
Renal cell carcinoma. Identifiers: Orphanet 217071, MedGen C0007134, MeSH D002292, MONDO:0005086, HP:0005584.
Hereditary cancer-predisposing syndrome. Also called: Neoplastic Syndromes, Hereditary; Hereditary neoplastic syndrome; Hereditary Cancer Syndrome; Tumor predisposition. Identifiers: Orphanet 140162, MedGen C0027672, MeSH D009386, MONDO:0015356.

Allele frequency attached by ClinVar (database versions not stated): gnomAD exomes below 0.00001; gnomAD 0.00001.
gnomAD v4.1: 2 of 1,602,830 alleles (0.00012%); highest among the groups gnomAD compares: African/African-American, 0.0013%; no homozygotes.

Submissions (3):

Ambry Genetics
Classification: Uncertain significance for Hereditary cancer-predisposing syndrome. Last evaluated: 2025-03-19. Review status: criteria provided, single submitter. Criteria: Ambry Variant Classification Scheme 2023. Collection method: clinical testing. Allele origin: germline.
Comment: The p.C397Y variant (also known as c.1190G>A), located in coding exon 1 of the MET gene, results from a G to A substitution at nucleotide position 1190. The cysteine at codon 397 is replaced by tyrosine, an amino acid with highly dissimilar properties. This amino acid position is highly conserved in available vertebrate species. In addition, the in silico prediction for this alteration is inconclusive. Based on the available evidence, the clinical significance of this variant remains unclear.

Labcorp Genetics (formerly Invitae), Labcorp
Classification: Uncertain significance for Renal cell carcinoma. Last evaluated: 2024-09-19. Review status: criteria provided, single submitter. Criteria: Invitae Variant Classification Sherloc (09022015). Collection method: clinical testing. Allele origin: germline.
Comment: This sequence change replaces cysteine, which is neutral and slightly polar, with tyrosine, which is neutral and polar, at codon 397 of the MET protein (p.Cys397Tyr). This variant is present in population databases (no rsID available, gnomAD 0.01%). This variant has not been reported in the literature in individuals affected with MET-related conditions. ClinVar contains an entry for this variant (Variation ID: 1810495). Invitae Evidence Modeling of protein sequence and biophysical properties (such as structural, functional, and spatial information, amino acid conservation, physicochemical variation, residue mobility, and thermodynamic stability) has been performed for this missense variant. However, the output from this modeling did not meet the statistical confidence thresholds required to predict the impact of this variant on MET protein function. In summary, the available evidence is currently insufficient to determine the role of this variant in disease. Therefore, it has been classified as a Variant of Uncertain Significance.

GeneDx
Classification: Uncertain significance. Last evaluated: 2022-07-06. Review status: criteria provided, single submitter. Criteria: GeneDx Variant Classification Process June 2021. Collection method: clinical testing. Allele origin: germline. Affected: yes.
Comment: In silico analysis supports that this missense variant has a deleterious effect on protein structure/function; Has not been previously published as pathogenic or benign to our knowledge